The following is an entry in ClinVar:

ClinVar aggregate classification (germline): Pathogenic (1 of 4 stars; one submission).

Submission:

GeneDx
Classification: Pathogenic. Last evaluated: 2016-10-05. Review status: criteria provided, single submitter. Criteria: GeneDx Variant Classification (06012015). Collection method: clinical testing. Allele origin: germline. Affected: yes.
Comment: The K947R variant in the POLG gene has been reported previously in an adult patient with progressive external ophthalmoplegia (PEO), severe proximal and bilateral facial weakness and premature ovarian failure (Baruffini et al., 2010). Analysis in a yeast model found that K947R behaved as a strong dominant negative variant (Baruffini et al., 2010). The K947R variant was not observed in approximately 6,500 individuals of European and African American ancestry in the NHLBI Exome Sequencing Project, indicating it is not a common benign variant in these populations. The K947R variant is a conservative amino acid substitution, which is not likely to impact secondary protein structure as these residues share similar properties. This substitution occurs at a position that is conserved across species, and in silico analysis predicts this variant is probably damaging to the protein structure/function. Furthermore, missense variants in nearby residues (R943C, R943H, H945L, Y951H, Y951N, R953C, R953H) have been reported in the Human Gene Mutation Database in association with POLG-related disorders (Stenson et al., 2014), supporting the functional importance of this region of the protein. Based on currently available evidence, we interpret K947R as a pathogenic variant.

NM_002693.3(POLG):c.2840A>G (p.Lys947Arg)

Genes: POLG (DNA polymerase gamma, catalytic subunit; minus strand), POLGARF (POLG alternative reading frame; minus strand). Cytogenetic location: 15q26.1.
Variant type: single nucleotide variant.
Coding change: c.2840A>G on transcript NM_002693.3 (MANE Select); coding-DNA position 2840, A replaced by G.
Protein change: p.Lys947Arg; replaces lysine 947 with arginine.
Molecular consequence: missense variant.
Genome position (GRCh38, 1-based): chr15:89,320,907, T>C on the plus strand (A>G on the coding strand, the complement: POLG is on the minus strand). VCF-style: chr15-89320907-T-C. GRCh37 (hg19) VCF-style: chr15-89864138-T-C.
Other names: p.K947R:AAA>AGA; c.2840A>G, p.Lys947Arg (NM_001126131.2); short protein forms K947R.
Identifiers: ClinVar variation 206536 (VCV000206536.2), dbSNP rs796052891, ClinGen allele CA316717.
Genomic context (GRCh38, chr15:89,320,907, plus strand): 5'-ATTAGTAAGCGCTCAGCAAAGGGCTGCCCAGCACCATAGATGCGGCCGTAGTTGAAGATT[T>C]TGGCATGCTCACGGCTGATGCCCACAGTAGTGGCTGTCTTACTGTGTAGATCAGTGCCCC-3'
Protein context (NP_002684.1, residues 937-957): TTVGISREHA[Lys947Arg]IFNYGRIYGA